The following is an entry in ClinVar:

NM_152296.5(ATP1A3):c.-9G>A

Genes: ATP1A3 (ATPase Na+/K+ transporting subunit alpha 3; minus strand), LOC130064543 (ATAC-STARR-seq lymphoblastoid silent region 10681; plus strand). Cytogenetic location: 19q13.2.
Variant type: single nucleotide variant.
Coding change: c.-9G>A on transcript NM_152296.5 (MANE Select); 9 bases upstream of the start codon, G replaced by A.
Molecular consequence: 5 prime UTR variant.
Genome position (GRCh38, 1-based): chr19:41,994,085, C>T on the plus strand (G>A on the coding strand, the complement: ATP1A3 is on the minus strand). VCF-style: chr19-41994085-C-T. GRCh37 (hg19) VCF-style: chr19-42498237-C-T.
Other names: c.-9G>A (NM_001256214.2).
Identifiers: ClinVar variation 3902501 (VCV003902501.1).
Genomic context (GRCh38, chr19:41,994,085, plus strand): 5'-CCCACAATGTCACACGGAAGCGGCGCCCAGCCGGCTCAGCACCTACCCCCATCTTGGCGG[C>T]TCCGCGGCGAGAGAGCCAGGCGGGCGGGGCGGGGACCTCGGGGCGGGCTCAGGCTCAGGC-3'

ClinVar aggregate classification (germline): Uncertain significance (1 of 4 stars; one submission).

gnomAD v4.1: 2 of 1,596,468 alleles (0.00013%); highest among the groups gnomAD compares: East Asian, 0.0023%; no homozygotes.

Submission:

Women's Health and Genetics/Laboratory Corporation of America, LabCorp
Classification: Uncertain significance. Last evaluated: 2025-05-05. Review status: criteria provided, single submitter. Criteria: LabCorp Variant Classification Summary - May 2015. Collection method: clinical testing. Allele origin: germline.
Comment: Variant summary: ATP1A3 c.-9G>A is located in the untranslated mRNA region upstream of the initiation codon. The frequency data for this variant in gnomAD is considered unreliable, as metrics indicate poor data quality at this position. To our knowledge, no occurrence of c.-9G>A in individuals affected with ATP1A3-Related Disorders and no experimental evidence demonstrating its impact on protein function have been reported. No submitters have cited clinical-significance assessments for this variant to ClinVar. Based on the evidence outlined above, the variant was classified as uncertain significance.